The following is an entry in ClinVar:

ClinVar aggregate classification (germline): Uncertain significance (1 of 4 stars; one submission).

Conditions:
Early-infantile DEE. Also called: Ohtahara syndrome; Early infantile epileptic encephalopathy with suppression bursts; Early infantile epileptic encephalopathy. Identifiers: Orphanet 1934, MedGen C0393706, MONDO:0800491.

Submission:

Labcorp Genetics (formerly Invitae), Labcorp
Classification: Uncertain significance for Early-infantile DEE. Last evaluated: 2024-10-24. Review status: criteria provided, single submitter. Criteria: Invitae Variant Classification Sherloc (09022015). Collection method: clinical testing. Allele origin: germline.
Comment: This sequence change replaces lysine, which is basic and polar, with asparagine, which is neutral and polar, at codon 15 of the ARHGEF15 protein (p.Lys15Asn). This variant is present in population databases (no rsID available, gnomAD 0.006%). This variant has not been reported in the literature in individuals affected with ARHGEF15-related conditions. An algorithm developed to predict the effect of missense changes on protein structure and function (PolyPhen-2) suggests that this variant is likely to be disruptive. In summary, the available evidence is currently insufficient to determine the role of this variant in disease. Therefore, it has been classified as a Variant of Uncertain Significance.

NM_173728.4(ARHGEF15):c.45G>C (p.Lys15Asn)

Gene: ARHGEF15 (Rho guanine nucleotide exchange factor 15; plus strand). Cytogenetic location: 17p13.1.
Variant type: single nucleotide variant.
Coding change: c.45G>C on transcript NM_173728.4 (MANE Select); coding-DNA position 45, G replaced by C.
Protein change: p.Lys15Asn; replaces lysine 15 with asparagine.
Molecular consequence: missense variant.
Genome position (GRCh38, 1-based): chr17:8,312,084, G>C. VCF-style: chr17-8312084-G-C. GRCh37 (hg19) VCF-style: chr17-8215402-G-C.
Other names: c.45G>C, p.Lys15Asn (NM_025014.2); short protein forms K15N.
Identifiers: ClinVar variation 3682381 (VCV003682381.2).
Genomic context (GRCh38, chr17:8,312,084, plus strand): 5'-AAGAGCACAGAGGAAGATGTCAGCCCAGTCCCTTCCTGCAGCAACACCCCCCACGCAGAA[G>C]CCCCCTCGGATCATCCGCCCCCGCCCTCCTTCTCGTTCCAGGGCTGCCCAGTCCCCAGGG-3'
Protein context (NP_776089.2, residues 5-25): SLPAATPPTQ[Lys15Asn]PPRIIRPRPP